The following is an entry in ClinVar:

NM_000548.5(TSC2):c.5282C>G (p.Ser1761Cys)

Gene: TSC2 (TSC complex subunit 2; plus strand). Cytogenetic location: 16p13.3.
Variant type: single nucleotide variant.
Coding change: c.5282C>G on transcript NM_000548.5 (MANE Select); coding-DNA position 5282, C replaced by G.
Protein change: p.Ser1761Cys; replaces serine 1761 with cysteine.
Molecular consequence: missense variant. On other transcripts: non-coding transcript variant (5).
Genome position (GRCh38, 1-based): chr16:2,088,468, C>G. VCF-style: chr16-2088468-C-G. GRCh37 (hg19) VCF-style: chr16-2138469-C-G.
Other names: c.5081C>G, p.Ser1694Cys (NM_001077183.3); c.5213C>G, p.Ser1738Cys (NM_001114382.3); c.4973C>G, p.Ser1658Cys (NM_001318827.2); c.4937C>G, p.Ser1646Cys (NM_001318829.2); c.4550C>G, p.Ser1517Cys (NM_001318831.2); c.5114C>G, p.Ser1705Cys (NM_001318832.2); c.5084C>G, p.Ser1695Cys (NM_001363528.2); c.5150C>G, p.Ser1717Cys (NM_001370404.1); and 27 more; short protein forms S1160C, S1246C, S1247C, S1269C, S1270C, S1290C, S1494C, S1495C.
Identifiers: ClinVar variation 3232191 (VCV003232191.1), dbSNP rs2151638394, ClinGen allele CA394315217.
Genomic context (GRCh38, chr16:2,088,468, plus strand): 5'-CCTCCCAGACTTACTGCCCAAGCCGCCTCTGCCTTCAGATCTGCGAGGAAGCCGCCTACT[C>G]CAACCCCAGCCTACCTCTGGTGCACCCTCCGTCCCATAGCAAAGCCCCTGCACAGACTCC-3'
Protein context (NP_000539.2, residues 1751-1771): RQRICEEAAY[Ser1761Cys]NPSLPLVHPP

ClinVar aggregate classification (germline): Uncertain significance (1 of 4 stars; one submission).

Conditions:
Hereditary cancer-predisposing syndrome. Also called: Neoplastic Syndromes, Hereditary; Tumor predisposition; Hereditary neoplastic syndrome; Hereditary Cancer Syndrome. Identifiers: Orphanet 140162, MedGen C0027672, MeSH D009386, MONDO:0015356.

Allele frequency attached by ClinVar (database versions not stated): gnomAD exomes below 0.00001.
gnomAD v4.1: 1 of 1,612,906 alleles (0.000062%); highest among the groups gnomAD compares: African/African-American, 0.0013%; no homozygotes.

Submission:

Ambry Genetics
Classification: Uncertain significance for Hereditary cancer-predisposing syndrome. Last evaluated: 2024-02-23. Review status: criteria provided, single submitter. Criteria: Ambry Variant Classification Scheme 2023. Collection method: clinical testing. Allele origin: germline.
Comment: The p.S1761C variant (also known as c.5282C>G), located in coding exon 41 of the TSC2 gene, results from a C to G substitution at nucleotide position 5282. The serine at codon 1761 is replaced by cysteine, an amino acid with dissimilar properties. This amino acid position is conserved. In addition, the in silico prediction for this alteration is inconclusive. Based on the available evidence, the clinical significance of this alteration remains unclear.